The following is an entry in ClinVar:

ClinVar aggregate classification (germline): Uncertain significance. Review status: criteria provided, multiple submitters, no conflicts (2 of 4 stars). 2 submissions from 2 submitters: Uncertain significance (2). Last evaluated 2023-10-04.

Submissions (2):

Labcorp Genetics (formerly Invitae), Labcorp
Classification: Uncertain significance. Last evaluated: 2023-10-04. Review status: criteria provided, single submitter. Criteria: Invitae Variant Classification Sherloc (09022015). Collection method: clinical testing. Allele origin: germline.
Comment: This sequence change replaces leucine, which is neutral and non-polar, with proline, which is neutral and non-polar, at codon 123 of the CDH2 protein (p.Leu123Pro). This variant is not present in population databases (gnomAD no frequency). This variant has not been reported in the literature in individuals affected with CDH2-related conditions. ClinVar contains an entry for this variant (Variation ID: 2572956). An algorithm developed to predict the effect of missense changes on protein structure and function (PolyPhen-2) suggests that this variant is likely to be tolerated. In summary, the available evidence is currently insufficient to determine the role of this variant in disease. Therefore, it has been classified as a Variant of Uncertain Significance.

GeneDx
Classification: Uncertain significance. Last evaluated: 2023-07-14. Review status: criteria provided, single submitter. Criteria: GeneDx Variant Classification Process June 2021. Collection method: clinical testing. Allele origin: germline. Affected: yes.
Comment: Not observed in large population cohorts (gnomAD); In silico analysis supports that this missense variant has a deleterious effect on protein structure/function; Has not been previously published as pathogenic or benign to our knowledge

NM_001792.5(CDH2):c.368T>C (p.Leu123Pro)

Gene: CDH2 (cadherin 2; minus strand). Cytogenetic location: 18q12.1.
Variant type: single nucleotide variant.
Coding change: c.368T>C on transcript NM_001792.5 (MANE Select); coding-DNA position 368, T replaced by C.
Protein change: p.Leu123Pro; replaces leucine 123 with proline.
Molecular consequence: missense variant.
Genome position (GRCh38, 1-based): chr18:28,013,714, A>G on the plus strand (T>C on the coding strand, the complement: CDH2 is on the minus strand). VCF-style: chr18-28013714-A-G. GRCh37 (hg19) VCF-style: chr18-25593678-A-G.
Other names: c.275T>C, p.Leu92Pro (NM_001308176.2); short protein forms L123P, L92P.
Identifiers: ClinVar variation 2572956 (VCV002572956.4), dbSNP rs2510818619, ClinGen allele CA402244141.